The following is an entry in ClinVar:

ClinVar aggregate classification (germline): Likely pathogenic (1 of 4 stars; one submission).

Conditions:
Neurofibromatosis, type 1 (NF1). Also called: Neurofibromatosis, type I; Peripheral type neurofibromatosis; VON RECKLINGHAUSEN DISEASE; NEUROFIBROMATOSIS, TYPE I, SOMATIC. Identifiers: Orphanet 636, MedGen C0027831, MONDO:0018975, OMIM 162200. Disease mechanism: loss of function.

Submission:

Labcorp Genetics (formerly Invitae), Labcorp
Classification: Likely pathogenic for Neurofibromatosis, type 1. Last evaluated: 2025-08-01. Review status: criteria provided, single submitter. Criteria: Invitae Variant Classification Sherloc (09022015). Collection method: clinical testing. Allele origin: germline.
Comment: This sequence change affects a splice site in intron 12 of the NF1 gene. It is expected to disrupt RNA splicing. Variants that disrupt the donor or acceptor splice site typically lead to a loss of protein function (PMID: 16199547), and loss-of-function variants in NF1 are known to be pathogenic (PMID: 10712197, 23913538). This variant is not present in population databases (gnomAD no frequency). This variant has not been reported in the literature in individuals affected with NF1-related conditions. ClinVar contains an entry for this variant (Variation ID: 2011837). Algorithms developed to predict the effect of sequence changes on RNA splicing suggest that this variant may disrupt the consensus splice site. In summary, the currently available evidence indicates that the variant is pathogenic, but additional data are needed to prove that conclusively. Therefore, this variant has been classified as Likely Pathogenic.

Literature cited by the submitters: PubMed 16199547; PubMed 10712197; PubMed 23913538.

NM_001042492.3(NF1):c.1393-7_1393-2del

Gene: NF1 (neurofibromin 1; plus strand). Cytogenetic location: 17q11.2.
Variant type: Deletion.
Coding change: c.1393-7_1393-2del on transcript NM_001042492.3 (MANE Select); 7 bases into the intron before coding-DNA position 1393 through the canonical splice acceptor site of the intron before coding-DNA position 1393, 6 bases deleted (TTTTTA; older notation c.1393-7_1393-2delTTTTTA).
Molecular consequence: splice acceptor variant.
Genome position (GRCh38, 1-based): chr17:31,214,444-31,214,449, TTTTTA deleted. VCF-style (leftmost placement, unchanged base first): chr17-31214443-GTTTTTA-G. GRCh37 (hg19) VCF-style: chr17-29541461-GTTTTTA-G.
Other names: c.1393-7_1393-2del (NM_000267.4, NM_001128147.3).
Identifiers: ClinVar variation 2011837 (VCV002011837.4), dbSNP rs2544828970, ClinGen allele CA2580092776.